The following is an entry in ClinVar:

ClinVar aggregate classification (germline): Uncertain significance. Review status: criteria provided, multiple submitters, no conflicts (2 of 4 stars). 4 submissions from 4 submitters: Uncertain significance (4). Last evaluated 2025-03-15.

Conditions:
Cardiovascular phenotype. Identifiers: MedGen CN230736.
Catecholaminergic polymorphic ventricular tachycardia (CVPT). Also called: Catecholamine-induced polymorphic ventricular tachycardia. Identifiers: Orphanet 3286, MedGen C5574922, MONDO:0017990.
Catecholaminergic polymorphic ventricular tachycardia 1. Also called: RYR2-Related Catecholaminergic Polymorphic Ventricular Tachycardia; VENTRICULAR TACHYCARDIA, CATECHOLAMINERGIC POLYMORPHIC, 1, WITH OR WITHOUT ATRIAL DYSFUNCTION AND/OR DILATED CARDIOMYOPATHY; VENTRICULAR TACHYCARDIA, STRESS-INDUCED POLYMORPHIC 1. Identifiers: Orphanet 3286, MedGen C1631597, MONDO:0011484, OMIM 604772.

Allele frequency attached by ClinVar (database versions not stated): gnomAD exomes below 0.00001; TOPMed below 0.00001; gnomAD 0.00001.
gnomAD v4.1: 3 of 1,613,678 alleles (0.00019%); highest among the groups gnomAD compares: East Asian, 0.0022%; no homozygotes.

Submissions (4):

Ambry Genetics
Classification: Uncertain significance for Cardiovascular phenotype. Last evaluated: 2025-03-15. Review status: criteria provided, single submitter. Criteria: Ambry Variant Classification Scheme 2023. Collection method: clinical testing. Allele origin: germline.
Comment: The p.R848H variant (also known as c.2543G>A), located in coding exon 22 of the RYR2 gene, results from a G to A substitution at nucleotide position 2543. The arginine at codon 848 is replaced by histidine, an amino acid with highly similar properties. This amino acid position is highly conserved in available vertebrate species. In addition, the in silico prediction for this alteration is inconclusive. Based on the available evidence, the clinical significance of this variant remains unclear.

All of Us Research Program, National Institutes of Health
Classification: Uncertain significance for Catecholaminergic polymorphic ventricular tachycardia. Last evaluated: 2023-08-28. Review status: criteria provided, single submitter. Criteria: ACMG Guidelines, 2015. Collection method: clinical testing. Allele origin: germline. Inheritance: Autosomal dominant inheritance. Observed: 1 variant allele, 1 heterozygote.
Comment: This missense variant replaces arginine with histidine at codon 848 of the RYR2 protein. Computational prediction is inconclusive regarding the impact of this variant on protein structure and function (internally defined REVEL score threshold 0.5 < inconclusive < 0.7, PMID: 27666373). To our knowledge, functional studies have not been reported for this variant. This variant has not been reported in individuals affected with RYR2-related disorders in the literature. This variant has not been identified in the general population by the Genome Aggregation Database (gnomAD). The available evidence is insufficient to determine the role of this variant in disease conclusively. Therefore, this variant is classified as a Variant of Uncertain Significance.

This study involves interpretation of variants in research participants for the purpose of population health screening. Participant phenotype was not available at the time of variant classification. Additional details can be found in publication PMID: 35346344, PMCID: PMC8962531

GeneDx
Classification: Uncertain significance. Last evaluated: 2022-09-07. Review status: criteria provided, single submitter. Criteria: GeneDx Variant Classification Process June 2021. Collection method: clinical testing. Allele origin: germline. Affected: yes.
Comment: Not observed at significant frequency in large population cohorts (gnomAD); In silico analysis supports that this missense variant has a deleterious effect on protein structure/function; Has not been previously published as pathogenic or benign to our knowledge; Not located in one of the three hot-spot regions of the RYR2 gene, where the majority of pathogenic missense variants occur (Medeiros-Domingo et al., 2009); This variant is associated with the following publications: (PMID: 19926015)

Labcorp Genetics (formerly Invitae), Labcorp
Classification: Uncertain significance for Catecholaminergic polymorphic ventricular tachycardia 1. Last evaluated: 2020-12-23. Review status: criteria provided, single submitter. Criteria: Invitae Variant Classification Sherloc (09022015). Collection method: clinical testing. Allele origin: germline.
Comment: In summary, the available evidence is currently insufficient to determine the role of this variant in disease. Therefore, it has been classified as a Variant of Uncertain Significance. Algorithms developed to predict the effect of missense changes on protein structure and function (SIFT, PolyPhen-2, Align-GVGD) all suggest that this variant is likely to be disruptive, but these predictions have not been confirmed by published functional studies and their clinical significance is uncertain. This variant has not been reported in the literature in individuals with RYR2-related conditions. This variant is not present in population databases (ExAC no frequency). This sequence change replaces arginine with histidine at codon 848 of the RYR2 protein (p.Arg848His). The arginine residue is highly conserved and there is a small physicochemical difference between arginine and histidine.

NM_001035.3(RYR2):c.2543G>A (p.Arg848His)

Gene: RYR2 (ryanodine receptor 2; plus strand). Cytogenetic location: 1q43.
Variant type: single nucleotide variant.
Coding change: c.2543G>A on transcript NM_001035.3 (MANE Select); coding-DNA position 2543, G replaced by A.
Protein change: p.Arg848His; replaces arginine 848 with histidine.
Molecular consequence: missense variant.
Genome position (GRCh38, 1-based): chr1:237,503,435, G>A. VCF-style: chr1-237503435-G-A. GRCh37 (hg19) VCF-style: chr1-237666735-G-A.
Other names: short protein forms R848H.
Identifiers: ClinVar variation 939385 (VCV000939385.14), dbSNP rs1247047478, ClinGen allele CA345379411.
Genomic context (GRCh38, chr1:237,503,435, plus strand): 5'-CAAAAGAAAAGTTGAAAGTGGAACACAGCCGAGAGTACAAGCAAGAAAGAACTTACACAC[G>A]CGACCTGCTGGGCCCCACAGTTTCCCTGACGCAAGCTGCCTTCACACCCATCCCTGTGGA-3'
Protein context (NP_001026.2, residues 838-858): REYKQERTYT[Arg848His]DLLGPTVSLT